The following is an entry in ClinVar:

NM_000059.4(BRCA2):c.5702A>T (p.Glu1901Val)

Gene: BRCA2 (BRCA2 DNA repair associated; plus strand). Cytogenetic location: 13q13.1.
Variant type: single nucleotide variant.
Coding change: c.5702A>T on transcript NM_000059.4 (MANE Select); coding-DNA position 5702, A replaced by T.
Protein change: p.Glu1901Val; replaces glutamic acid 1901 with valine.
Molecular consequence: missense variant.
Genome position (GRCh38, 1-based): chr13:32,340,057, A>T. VCF-style: chr13-32340057-A-T. GRCh37 (hg19) VCF-style: chr13-32914194-A-T.
Other names: short protein forms E1901V.
Identifiers: ClinVar variation 187246 (VCV000187246.27), dbSNP rs773600818, ClinGen allele CA023011.

ClinVar aggregate classification (germline): Conflicting classifications of pathogenicity. Review status: criteria provided, conflicting classifications (1 of 4 stars). 12 submissions from 12 submitters: Uncertain significance (9); Likely benign (1). 2 of the submissions do not count toward it. Last evaluated 2025-01-09.

Conditions:
Hereditary breast ovarian cancer syndrome. Also called: Hereditary breast and ovarian cancer; Hereditary breast and ovarian cancer syndrome; Breast and ovarian cancer; Hereditary breast and ovarian cancer syndrome (HBOC); Hereditary breast and/or ovarian cancer syndrome; BRCA1- and BRCA2-Associated Hereditary Breast and Ovarian Cancer. Identifiers: Orphanet 145, MedGen C0677776, MeSH D061325, MONDO:0003582. Disease mechanism: loss of function.
Hereditary cancer-predisposing syndrome. Also called: Hereditary Cancer Syndrome; Neoplastic Syndromes, Hereditary; Tumor predisposition; Hereditary neoplastic syndrome. Identifiers: Orphanet 140162, MedGen C0027672, MeSH D009386, MONDO:0015356.
Breast-ovarian cancer, familial, susceptibility to, 2 (BROVCA2). Also called: BRCA2 Hereditary Breast and Ovarian Cancer. Identifiers: Orphanet 145, MedGen C2675520, MONDO:0012933, OMIM 612555. Disease mechanism: loss of function.
Familial cancer of breast. Also called: BREAST CANCER, FAMILIAL; Hereditary breast cancer; hereditary breast carcinoma. Identifiers: Orphanet 227535, MedGen C0346153, MONDO:0016419, OMIM 114480. Disease mechanism: loss of function.

Allele frequency attached by ClinVar (database versions not stated): gnomAD exomes 0.00001; ExAC 0.00002.
gnomAD v4.1: 4 of 1,613,832 alleles (0.00025%); highest among the groups gnomAD compares: Non-Finnish European, 0.00034%; no homozygotes.

Submissions (12):

Quest Diagnostics Nichols Institute San Juan Capistrano
Classification: Uncertain significance. Last evaluated: 2025-01-09. Review status: criteria provided, single submitter. Criteria: Quest Diagnostics criteria. Collection method: clinical testing. Allele origin: unknown.
Comment: The BRCA2 c.5702A>T (p.Glu1901Val) variant has been reported in the published literature in individuals with a personal and/or family history of breast and/or ovarian cancer (PMID: 39062721 (2024), 35150867 (2022), 31853058 (2020), 30254663 (2018)), and an individual with pancreatic cancer (PMID: 37725113 (2023)). In addition, this variant has been reported to be located in a region of the BRCA2 gene that is tolerant to missense sequence changes (PMID: 31911673 (2020)). The frequency of this variant in the general population (Genome Aggregation Database) is uninformative in the assessment of its pathogenicity. Analysis of this variant using bioinformatics tools for the prediction of the effect of amino acid changes on protein structure and function yielded conflicting predictions that this variant is benign or damaging. Based on the available information, we are unable to determine the clinical significance of this variant.

Labcorp Genetics (formerly Invitae), Labcorp
Classification: Uncertain significance for Hereditary breast ovarian cancer syndrome. Last evaluated: 2024-12-23. Review status: criteria provided, single submitter. Criteria: Invitae Variant Classification Sherloc (09022015). Collection method: clinical testing. Allele origin: germline.
Comment: This sequence change replaces glutamic acid, which is acidic and polar, with valine, which is neutral and non-polar, at codon 1901 of the BRCA2 protein (p.Glu1901Val). This variant is present in population databases (rs773600818, gnomAD 0.003%). This missense change has been observed in individual(s) with a personal or family history of breast and/or ovarian cancer (PMID: 30254663, 35150867). ClinVar contains an entry for this variant (Variation ID: 187246). Invitae Evidence Modeling of protein sequence and biophysical properties (such as structural, functional, and spatial information, amino acid conservation, physicochemical variation, residue mobility, and thermodynamic stability) indicates that this missense variant is not expected to disrupt BRCA2 protein function with a negative predictive value of 95%. In summary, the available evidence is currently insufficient to determine the role of this variant in disease. Therefore, it has been classified as a Variant of Uncertain Significance.

Ambry Genetics
Classification: Uncertain significance for Hereditary cancer-predisposing syndrome. Last evaluated: 2024-08-23. Review status: criteria provided, single submitter. Criteria: Ambry Variant Classification Scheme 2023. Collection method: clinical testing. Allele origin: germline.
Comment: The p.E1901V variant (also known as c.5702A>T), located in coding exon 10 of the BRCA2 gene, results from an A to T substitution at nucleotide position 5702. The glutamic acid at codon 1901 is replaced by valine, an amino acid with dissimilar properties. This variant was reported in multiple individuals with a personal history of breast and/or ovarian cancer (Zuntini R et al. Front Genet, 2018 Sep;9:378; Stella S et al. Genes (Basel), 2024 Jul;15:). This amino acid position is not well conserved in available vertebrate species. In addition, the in silico prediction for this alteration is inconclusive. Based on the available evidence, the clinical significance of this variant remains unclear.

Women's Health and Genetics/Laboratory Corporation of America, LabCorp
Classification: Uncertain significance. Last evaluated: 2024-07-02. Review status: criteria provided, single submitter. Criteria: LabCorp Variant Classification Summary - May 2015. Collection method: clinical testing. Allele origin: germline.
Comment: Variant summary: BRCA2 c.5702A>T (p.Glu1901Val) results in a non-conservative amino acid change in the encoded protein sequence. Three of five in-silico tools predict a damaging effect of the variant on protein function. The variant allele was found at a frequency of 1.2e-05 in 250802 control chromosomes (gnomAD). The available data on variant occurrences in the general population are insufficient to allow any conclusion about variant significance. c.5702A>T has been reported in the literature in an individual affected with breast or ovarian cancer (Zuntini_2018) and an individual with pancreatic cancer (Militello_2023) without evidnece of causality. These reports do not provide unequivocal conclusions about association of the variant with Hereditary Breast And Ovarian Cancer Syndrome. To our knowledge, no experimental evidence demonstrating an impact on protein function has been reported. The following publications have been ascertained in the context of this evaluation (PMID: 30254663, 37725113). ClinVar contains an entry for this variant (Variation ID: 187246). Based on the evidence outlined above, the variant was classified as uncertain significance.

Color Diagnostics, LLC DBA Color Health
Classification: Uncertain significance for Hereditary cancer-predisposing syndrome. Last evaluated: 2023-09-20. Review status: criteria provided, single submitter. Criteria: ACMG Guidelines, 2015. Collection method: clinical testing. Allele origin: germline.
Comment: This missense variant replaces glutamic acid with valine at codon 1901 of the BRCA2 protein. Computational prediction suggests that this variant may not impact protein structure and function (internally defined REVEL score threshold <= 0.5, PMID: 27666373). To our knowledge, functional studies have not been reported for this variant. This variant has been reported in at least one individual with a personal or family history of breast and/or ovarian cancer (PMID: 30254663, 35150867) and in a multifactorial analysis with tumor pathology, co-occurrence and family history likelihood ratios for pathogenicity of 1.54, 1.025, and 0.375, respectively (PMID: 31131967). This variant has been identified in 3/250802 chromosomes in the general population by the Genome Aggregation Database (gnomAD). The available evidence is insufficient to determine the role of this variant in disease conclusively. Therefore, this variant is classified as a Variant of Uncertain Significance.

All of Us Research Program, National Institutes of Health
Classification: Uncertain significance for Breast-ovarian cancer, familial, susceptibility to, 2. Last evaluated: 2023-08-15. Review status: criteria provided, single submitter. Criteria: ACMG Guidelines, 2015. Collection method: clinical testing. Allele origin: germline. Inheritance: Autosomal dominant inheritance. Observed: 1 variant allele, 1 heterozygote.
Comment: This missense variant replaces glutamic acid with valine at codon 1901 of the BRCA2 protein. Computational prediction suggests that this variant may not impact protein structure and function (internally defined REVEL score threshold <= 0.5, PMID: 27666373). Splice site prediction tools suggest that this variant may not impact RNA splicing. To our knowledge, functional studies have not been performed for this variant. This variant has been reported in an individual affected with breast and/or ovarian cancer (PMID: 30254663). This variant has also been identified in 3/250802 chromosomes in the general population by the Genome Aggregation Database (gnomAD). The available evidence is insufficient to determine the role of this variant in disease conclusively. Therefore, this variant is classified as a Variant of Uncertain Significance.

This study involves interpretation of variants in research participants for the purpose of population health screening. Participant phenotype was not available at the time of variant classification. Additional details can be found in publication PMID: 35346344, PMCID: PMC8962531

University of Washington Department of Laboratory Medicine, University of Washington
Classification: Likely benign for Hereditary cancer-predisposing syndrome. Last evaluated: 2023-03-23. Review status: criteria provided, single submitter. Criteria: Dines et al. (Genet Med. 2020). Collection method: curation. Allele origin: germline.
Comment: Missense variant in a coldspot region where missense variants are very unlikely to be pathogenic (PMID:31911673).

BRCA2 exon 11 coldspot. Reclassification based on statistical prior probability.

GeneDx
Classification: Uncertain significance. Last evaluated: 2022-12-02. Review status: criteria provided, single submitter. Criteria: GeneDx Variant Classification Process June 2021. Collection method: clinical testing. Allele origin: germline. Affected: yes.
Comment: Identified in an individual fulfilling BRCA testing criteria (Zuntini et al., 2018); Not observed at significant frequency in large population cohorts (gnomAD); In silico analysis supports that this missense variant has a deleterious effect on protein structure/function; Also known as 5930A>T; This variant is associated with the following publications: (PMID: 31853058, 31131967, 32377563, 30254663, 29884841)

Sema4
Classification: Uncertain significance for Hereditary cancer-predisposing syndrome. Last evaluated: 2022-01-16. Review status: criteria provided, single submitter. Criteria: Sema4 Curation Guidelines. Collection method: curation. Allele origin: germline.
Comment: The BRCA2 c.5702A>T (p.E1901V) variant has been reported in heterozygosity in at least 1 individual with breast and/or ovarian cancer (PMID: 30254663). This variant was observed in 3/113320 chromosomes in the European (non-Finnish) population, according to the Genome Aggregation Database (PMID: 32461654). This variant has been reported in ClinVar (Variation ID: 187246). Functional studies have not been performed, and in silico predictions of the variant's effect on protein function are inconclusive. The evidence is insufficient to meet ACMG/AMP criteria for classifying the variant as benign or pathogenic. Thus, the clinical significance of this variant is currently uncertain.

Department of Pathology and Laboratory Medicine, Sinai Health System
Classification: Uncertain significance for Familial cancer of breast; Breast-ovarian cancer, familial, susceptibility to, 2. Last evaluated: 2021-12-27. Review status: criteria provided, single submitter. Criteria: ACMG Guidelines, 2015. Collection method: research. Allele origin: germline.

Department of Medical and Surgical Sciences, University of Bologna
Classification: Likely benign for Breast-ovarian cancer, familial, susceptibility to, 2. Last evaluated: 2023-09-01. Review status: no assertion criteria provided. Collection method: clinical testing. Allele origin: germline. Affected: yes. Not counted in ClinVar's aggregate classification.
Comment: BP1(Strong)+BP5(Supporting) according to ACMG/AMP classification guidelines specified for BRCA1 & BRCA2 (Classification Criteria V1.0.0 2023-09-08) (PMID: 38160042)

Counsyl
Classification: Uncertain significance for Breast-ovarian cancer, familial, susceptibility to, 2. Last evaluated: 2018-06-04. Review status: no assertion criteria provided. Collection method: clinical testing. Allele origin: unknown. Not counted in ClinVar's aggregate classification.

Literature cited by the submitters: PubMed 35150867 (cited by 3 submitters); PubMed 31911673 (cited by Quest Diagnostics Nichols Institute San Juan Capistrano); PubMed 31131967 (cited by Quest Diagnostics Nichols Institute San Juan Capistrano and Color Diagnostics, LLC DBA Color Health); PubMed 30254663 (cited by 7 submitters); PubMed 31853058 (cited by Quest Diagnostics Nichols Institute San Juan Capistrano); PubMed 37725113 (cited by Quest Diagnostics Nichols Institute San Juan Capistrano and Women's Health and Genetics/Laboratory Corporation of America, LabCorp); PubMed 39062721 (cited by Quest Diagnostics Nichols Institute San Juan Capistrano and Ambry Genetics).